The following is an entry in ClinVar:

NM_014797.3(ZBTB24):c.788A>G (p.Lys263Arg)

Gene: ZBTB24 (zinc finger and BTB domain containing 24; minus strand). Cytogenetic location: 6q21.
Variant type: single nucleotide variant.
Coding change: c.788A>G on transcript NM_014797.3 (MANE Select); coding-DNA position 788, A replaced by G.
Protein change: p.Lys263Arg; replaces lysine 263 with arginine.
Molecular consequence: missense variant.
Genome position (GRCh38, 1-based): chr6:109,481,239, T>C on the plus strand (A>G on the coding strand, the complement: ZBTB24 is on the minus strand). VCF-style: chr6-109481239-T-C. GRCh37 (hg19) VCF-style: chr6-109802442-T-C.
Other names: c.788A>G, p.Lys263Arg (NM_001164313.2); short protein forms K263R.
Identifiers: ClinVar variation 653843 (VCV000653843.5), dbSNP rs148296427, ClinGen allele CA3954285.
Genomic context (GRCh38, chr6:109,481,239, plus strand): 5'-CAGATCCTCTTGGCTGAACCATGGTCCTCTTGATCCCCAACAAGTTTGTAATCTTTAAGT[T>C]TGACGGATCTCCAAATCCTCCGCTTGCTGTATCGACTCTGGCTTGCCTGGCCATCCTCGG-3'
Protein context (NP_055612.2, residues 253-273): YSKRRIWRSV[Lys263Arg]LKDYKLVGDQ

ClinVar aggregate classification (germline): Uncertain significance. Review status: criteria provided, multiple submitters, no conflicts (2 of 4 stars). 2 submissions from 2 submitters: Uncertain significance (2). Last evaluated 2023-10-20.

Conditions:
Inborn genetic diseases. Identifiers: MedGen C0950123, MeSH D030342.
Immunodeficiency-centromeric instability-facial anomalies syndrome 2 (ICF2). Identifiers: Orphanet 2268, MedGen C3279748, MONDO:0013553, OMIM 614069.

Allele frequency attached by ClinVar (database versions not stated): TOPMed 0.00005; 1000 Genomes Project 30x 0.00016; gnomAD 0.00003; ESP Exome Variant Server 0.00015; 1000 Genomes Project 0.00020.
gnomAD v4.1: 105 of 1,614,206 alleles (0.0065%); highest among the groups gnomAD compares: South Asian, 0.0099%; no homozygotes.

Submissions (2):

Ambry Genetics
Classification: Uncertain significance for Inborn genetic diseases. Last evaluated: 2023-10-20. Review status: criteria provided, single submitter. Criteria: Ambry Variant Classification Scheme 2023. Collection method: clinical testing. Allele origin: germline.

Labcorp Genetics (formerly Invitae), Labcorp
Classification: Uncertain significance for Immunodeficiency-centromeric instability-facial anomalies syndrome 2. Last evaluated: 2022-08-31. Review status: criteria provided, single submitter. Criteria: Invitae Variant Classification Sherloc (09022015). Collection method: clinical testing. Allele origin: germline.
Comment: This sequence change replaces lysine, which is basic and polar, with arginine, which is basic and polar, at codon 263 of the ZBTB24 protein (p.Lys263Arg). This variant is present in population databases (rs148296427, gnomAD 0.01%). This variant has not been reported in the literature in individuals affected with ZBTB24-related conditions. ClinVar contains an entry for this variant (Variation ID: 653843). Algorithms developed to predict the effect of missense changes on protein structure and function are either unavailable or do not agree on the potential impact of this missense change (SIFT: "Not Available"; PolyPhen-2: "Benign"; Align-GVGD: "Not Available"). In summary, the available evidence is currently insufficient to determine the role of this variant in disease. Therefore, it has been classified as a Variant of Uncertain Significance.